The following is an entry in ClinVar:

NM_001283009.2(RTEL1):c.2470C>T (p.Pro824Ser)

Genes: RTEL1 (regulator of telomere elongation helicase 1; plus strand), RTEL1-TNFRSF6B (RTEL1-TNFRSF6B readthrough (NMD candidate); plus strand). Cytogenetic location: 20q13.33.
Variant type: single nucleotide variant.
Coding change: c.2470C>T on transcript NM_001283009.2 (MANE Select); coding-DNA position 2470, C replaced by T.
Protein change: p.Pro824Ser; replaces proline 824 with serine.
Molecular consequence: missense variant. On other transcripts: non-coding transcript variant (1).
Genome position (GRCh38, 1-based): chr20:63,690,861, C>T. VCF-style: chr20-63690861-C-T. GRCh37 (hg19) VCF-style: chr20-62322214-C-T.
Other names: p.Pro848Ser; c.1801C>T, p.Pro601Ser (NM_001283010.1); c.2470C>T, p.Pro824Ser (NM_016434.4); c.2542C>T, p.Pro848Ser (NM_032957.5); c.2542C>T (NM_032957.4); short protein forms P824S, P848S, P601S.
Identifiers: ClinVar variation 967062 (VCV000967062.14), dbSNP rs138188555, ClinGen allele CA9965369.

ClinVar aggregate classification (germline): Uncertain significance. Review status: criteria provided, multiple submitters, no conflicts (2 of 4 stars). 8 submissions from 8 submitters: Uncertain significance (5). 3 of the submissions do not count toward it. Last evaluated 2026-02-01.

Conditions:
Pulmonary fibrosis and/or bone marrow failure, Telomere-related, 3. Also called: PULMONARY FIBROSIS AND/OR BONE MARROW FAILURE SYNDROME, TELOMERE-RELATED, 3. Identifiers: Orphanet 2032, MedGen C4225346, MONDO:0014613, OMIM 616373.
Dyskeratosis congenita, autosomal recessive 5 (DKCB5). Identifiers: MedGen C3554656, MONDO:0014076, OMIM 615190.
Dyskeratosis congenita. Identifiers: Orphanet 1775, MedGen C0265965, MONDO:0015780.

Allele frequency attached by ClinVar (database versions not stated): ExAC 0.00032; TOPMed 0.00022; gnomAD 0.00028 and 0.00027; ESP Exome Variant Server 0.00039; gnomAD exomes 0.00019 and 0.00034.
gnomAD v4.1: 530 of 1,602,674 alleles (0.033%); highest among the groups gnomAD compares: Non-Finnish European, 0.043%; no homozygotes.

Submissions (8):

Labcorp Genetics (formerly Invitae), Labcorp
Classification: Uncertain significance for Dyskeratosis congenita, autosomal recessive 5; Pulmonary fibrosis and/or bone marrow failure, Telomere-related, 3. Last evaluated: 2026-02-01. Review status: criteria provided, single submitter. Criteria: Invitae Variant Classification Sherloc (09022015). Collection method: clinical testing. Allele origin: germline.
Comment: This sequence change replaces proline, which is neutral and non-polar, with serine, which is neutral and polar, at codon 824 of the RTEL1 protein (p.Pro824Ser). This variant is present in population databases (rs138188555, gnomAD 0.03%). This missense change has been observed in individual(s) with aplastic anemia (PMID: 29344583). This variant is also known as NM_032957.4, c.2542C>T (p.Pro848Ser). ClinVar contains an entry for this variant (Variation ID: 967062). An algorithm developed to predict the effect of missense changes on protein structure and function outputs the following: PolyPhen-2: "Benign". The serine amino acid residue is found in multiple mammalian species, which suggests that this missense change does not adversely affect protein function. In summary, the available evidence is currently insufficient to determine the role of this variant in disease. Therefore, it has been classified as a Variant of Uncertain Significance.

GeneDx
Classification: Uncertain significance. Last evaluated: 2024-04-26. Review status: criteria provided, single submitter. Criteria: GeneDx Variant Classification Process June 2021. Collection method: clinical testing. Allele origin: germline.
Comment: In silico analysis indicates that this missense variant does not alter protein structure/function; Identified in an individual with hematologic disease (PMID: 29344583); This variant is associated with the following publications: (PMID: 29641532, 29344583)

Mayo Clinic Laboratories, Mayo Clinic
Classification: Uncertain significance. Last evaluated: 2022-05-19. Review status: criteria provided, single submitter. Criteria: ACMG Guidelines, 2015. Collection method: clinical testing. Allele origin: germline. Observed: 1 variant allele.
Comment: BP4

Sema4
Classification: Uncertain significance for Dyskeratosis congenita. Last evaluated: 2022-02-23. Review status: criteria provided, single submitter. Criteria: Sema4 Curation Guidelines. Collection method: curation. Allele origin: germline.
Comment: To the best of our knowledge, the RTEL1 c.2470C>T p.P824S variant has not been reported in individuals with RTEL1-related disease. It was observed in Non-Finnish European (NFE) chromosomes of the 42/119276 subpopulation, with no homozygotes, in the large and broad cohorts of the Genome Aggregation Database (PMID: 32461654). This variant has been reported in ClinVar (Variation ID 967062). In silico tools suggest the impact of the variant on protein function is benign, though these predictions have not been confirmed by functional studies. The evidence is insufficient to meet ACMG/AMP criteria for classifying the variant as benign or pathogenic. Thus, the clinical significance of this variant is currently uncertain.

Fulgent Genetics
Classification: Uncertain significance for Dyskeratosis congenita, autosomal recessive 5; Pulmonary fibrosis and/or bone marrow failure, Telomere-related, 3. Last evaluated: 2021-07-27. Review status: criteria provided, single submitter. Criteria: ACMG Guidelines, 2015. Collection method: clinical testing. Allele origin: unknown.

Genetic Services Laboratory, University of Chicago
Classification: Uncertain significance. Last evaluated: 2022-01-19. Review status: no assertion criteria provided. Collection method: clinical testing. Allele origin: germline. Affected: no. Not counted in ClinVar's aggregate classification.
Comment: DNA sequence analysis of the RTEL1 gene demonstrated a sequence change, c.2542C>T, in exon 27 that results in an amino acid change, p.Pro848Ser (NM_032957.4). This sequence change has been described in the gnomAD database with a frequency of 0.035% in the non-Finnish European subpopulation (dbSNP rs138188555). The p.Pro848Ser change affects a poorly conserved amino acid residue located in a domain of the RTEL1 protein that is not known to be functional. The p.Pro848Ser substitution appears to be benign using several in-silico pathogenicity prediction tools (SIFT, Align GVGD, REVEL,Polyphen-2). This sequence change does not appear to have been previously described in individuals with RTEL1-related disorders. Due to insufficient evidences and the lack of functional studies, the clinical significance of the p.Pro848Ser change remains unknown at this time.

Natera, Inc.
Classification: Uncertain significance for Dyskeratosis congenita. Last evaluated: 2020-01-15. Review status: no assertion criteria provided. Collection method: clinical testing. Allele origin: germline. Not counted in ClinVar's aggregate classification.

Department of Pathology and Laboratory Medicine, Sinai Health System
Classification: Uncertain significance. Review status: no assertion criteria provided. Collection method: clinical testing. Allele origin: unknown. Affected: yes. Study: The Canadian Open Genetics Repository (COGR). Not counted in ClinVar's aggregate classification.
Comment: The RTEL1 p.Pro824Ser variant was not identified in the literature nor was it identified in ClinVar, Cosmic, or LOVD 3.0. The variant was identified in dbSNP (ID: rs138188555) and in control databases in 47 of 263374 chromosomes at a frequency of 0.000178 (Genome Aggregation Database Feb 27, 2017). The variant was observed in the following populations: European (non-Finnish) in 42 of 119276 chromosomes (freq: 0.000352), Other in 2 of 6768 chromosomes (freq: 0.000296), African in 2 of 22782 chromosomes (freq: 0.000088) and Latino in 1 of 33936 chromosomes (freq: 0.000029); the variant was not observed in the Ashkenazi Jewish, East Asian, European (Finnish), and South Asian populations. The p.Pro824 residue is not conserved in mammals and four out of five computational analyses (PolyPhen-2, SIFT, AlignGVGD, MutationTaster) do not suggest a high likelihood of impact to the protein; however, this information is not predictive enough to rule out pathogenicity. The variant occurs outside of the splicing consensus sequence and in silico or computational prediction software programs (SpliceSiteFinder, MaxEntScan, NNSPLICE, GeneSplicer) do not predict a difference in splicing. In summary, based on the above information the clinical significance of this variant cannot be determined with certainty at this time. This variant is classified as a variant of uncertain significance.

Literature cited by the submitters: PubMed 29344583 (cited by Labcorp Genetics (formerly Invitae), Labcorp).